The following is an entry in ClinVar:

ClinVar aggregate classification (germline): Benign/Likely benign. Review status: criteria provided, multiple submitters, no conflicts (2 of 4 stars). 3 submissions from 3 submitters: Benign (2); Likely benign (1). Last evaluated 2026-01-12.

Conditions:
Type 2 diabetes mellitus. Also called: Type II diabetes mellitus. Identifiers: MedGen C0011860, MeSH D003924, MONDO:0005148, OMIM 125853, HP:0005978.
Nonpapillary renal cell carcinoma. Identifiers: Orphanet 422526, MedGen CN074294, MONDO:0007763, OMIM 144700.
Renal cysts and diabetes syndrome (RCAD). Also called: Familial hypoplastic, glomerulocystic kidney; MATURITY-ONSET DIABETES OF THE YOUNG, TYPE 5. Identifiers: Orphanet 93111, MedGen C0431693, MONDO:0007669, OMIM 137920.

gnomAD v4.1: 63 of 1,613,458 alleles (0.0039%); highest among the groups gnomAD compares: Admixed American, 0.1%; no homozygotes.

Submissions (3):

Labcorp Genetics (formerly Invitae), Labcorp
Classification: Benign. Last evaluated: 2026-01-12. Review status: criteria provided, single submitter. Criteria: Invitae Variant Classification Sherloc (09022015). Collection method: clinical testing. Allele origin: germline.

Women's Health and Genetics/Laboratory Corporation of America, LabCorp
Classification: Benign. Last evaluated: 2025-01-08. Review status: criteria provided, single submitter. Criteria: LabCorp Variant Classification Summary - May 2015. Collection method: clinical testing. Allele origin: germline.
Comment: Variant summary: HNF1B c.544+14T>A alters a non-conserved nucleotide located at a position not widely known to affect splicing. Consensus agreement among computation tools predict no significant impact on normal splicing. However, these predictions have yet to be confirmed by functional studies. The variant allele was found at a frequency of 0.00018 in 250864 control chromosomes, predominantly at a frequency of 0.0013 within the Latino subpopulation in the gnomAD database. The observed variant frequency within Latino control individuals in the gnomAD database is approximately 520 fold of the estimated maximal expected allele frequency for a pathogenic variant in HNF1B causing Maturity Onset Diabetes Of The Young 5 (Renal Cysts And Diabetes Syndrome) phenotype (2.5e-06). To our knowledge, no occurrence of c.544+14T>A in individuals affected with Maturity Onset Diabetes Of The Young 5 (Renal Cysts And Diabetes Syndrome) and no experimental evidence demonstrating its impact on protein function have been reported. ClinVar contains an entry for this variant (Variation ID: 1536561). Based on the evidence outlined above, the variant was classified as benign.

Fulgent Genetics
Classification: Likely benign for Type 2 diabetes mellitus; Renal cysts and diabetes syndrome; Nonpapillary renal cell carcinoma. Last evaluated: 2021-12-29. Review status: criteria provided, single submitter. Criteria: ACMG Guidelines, 2015. Collection method: clinical testing. Allele origin: unknown.

NM_000458.4(HNF1B):c.544+14T>A

Gene: HNF1B (HNF1 homeobox B; minus strand). Cytogenetic location: 17q12.
Variant type: single nucleotide variant.
Coding change: c.544+14T>A on transcript NM_000458.4 (MANE Select); 14 bases into the intron after coding-DNA position 544, T replaced by A.
Molecular consequence: intron variant.
Genome position (GRCh38, 1-based): chr17:37,739,426, A>T on the plus strand (T>A on the coding strand, the complement: HNF1B is on the minus strand). VCF-style: chr17-37739426-A-T. GRCh37 (hg19) VCF-style: chr17-36099417-A-T.
Other names: c.544+14T>A (NM_001304286.2, NM_001165923.4).
Identifiers: ClinVar variation 1536561 (VCV001536561.11), dbSNP rs759120365, ClinGen allele CA8519064.
Genomic context (GRCh38, chr17:37,739,426, plus strand): 5'-AACTGAGGCAGCCAATGGGGTGAGAGGGCAAAGGTCACTTCAGGTTGAGGCAGAGGCAGG[A>T]TGAAAACACTTACGTCGGAGGATCTCTCGTTGCTTTCTGACGTACCAGGTGTACAGAGCG-3'